The following is an entry in ClinVar:

ClinVar aggregate classification (germline): Pathogenic. Review status: criteria provided, multiple submitters, no conflicts (2 of 4 stars). 2 submissions from 2 submitters: Pathogenic (2). Last evaluated 2024-02-14.

Conditions:
Neurodevelopmental disorder with dysmorphic facies, impaired speech, and hypotonia. Identifiers: MedGen C5436585, MONDO:0033562, OMIM 619005.

Allele frequency attached by ClinVar (database versions not stated): gnomAD exomes 0.00002.
gnomAD v4.1: 15 of 1,614,156 alleles (0.00093%); highest among the groups gnomAD compares: Non-Finnish European, 0.0013%; no homozygotes.

Submissions (2):

3billion
Classification: Pathogenic for Neurodevelopmental disorder with dysmorphic facies, impaired speech, and hypotonia. Last evaluated: 2024-02-14. Review status: criteria provided, single submitter. Criteria: ACMG Guidelines, 2015. Collection method: clinical testing. Allele origin: germline. Affected: yes.
Comment: The variant is not observed in the gnomAD v2.1.1 dataset. Predicted Consequence/Location: Stop-gained (nonsense): predicted to result in a loss or disruption of normal protein function through nonsense-mediated decay (NMD) or protein truncation. Multiple pathogenic variants are reported downstream of the variant. The variant has been reported to be associated with MADD related disorder (ClinVar ID: VCV002048411 /PMID: 32761064 /3billion dataset). Therefore, this variant is classified as Pathogenic according to the recommendation of ACMG/AMP guideline.

Labcorp Genetics (formerly Invitae), Labcorp
Classification: Pathogenic. Last evaluated: 2022-06-27. Review status: criteria provided, single submitter. Criteria: Invitae Variant Classification Sherloc (09022015). Collection method: clinical testing. Allele origin: germline.
Comment: This sequence change creates a premature translational stop signal (p.Arg1532*) in the MADD gene. It is expected to result in an absent or disrupted protein product. Loss-of-function variants in MADD are known to be pathogenic (PMID: 32761064). This variant is not present in population databases (gnomAD no frequency). This premature translational stop signal has been observed in individual(s) with clinical features of DEEAH syndrome (PMID: 32761064). For these reasons, this variant has been classified as Pathogenic.

Literature cited by the submitters: PubMed 32761064 (cited by 3billion and Labcorp Genetics (formerly Invitae), Labcorp).

NM_001376571.1(MADD):c.4594C>T (p.Arg1532Ter)

Gene: MADD (MAP kinase activating death domain; plus strand). Cytogenetic location: 11p11.2.
Variant type: single nucleotide variant.
Coding change: c.4594C>T on transcript NM_001376571.1 (MANE Select); coding-DNA position 4594, C replaced by T.
Protein change: p.Arg1532Ter; replaces arginine 1532 with a stop codon.
Molecular consequence: nonsense. On other transcripts: non-coding transcript variant (8).
Genome position (GRCh38, 1-based): chr11:47,324,316, C>T. VCF-style: chr11-47324316-C-T. GRCh37 (hg19) VCF-style: chr11-47345867-C-T.
Other names: c.4276C>T, p.Arg1426Ter (NM_001376619.1, NM_001376620.1, NM_001376618.1 and 2 more transcripts); c.4399C>T, p.Arg1467Ter (NM_001376617.1, NM_001376642.1, NM_001376643.1 and 1 more transcripts); c.4288C>T, p.Arg1430Ter (NM_001376616.1, NM_001376615.1, NM_130472.3 and 1 more transcripts); c.4468C>T, p.Arg1490Ter (NM_001376622.1, NM_001376623.1, NM_001376579.1 and 1 more transcripts); c.4465C>T, p.Arg1489Ter (NM_001376624.1, NM_001376625.1); c.4285C>T, p.Arg1429Ter (NM_001135943.2); c.4267C>T, p.Arg1423Ter (NM_001376626.1); c.4249C>T, p.Arg1417Ter (NM_001376627.1, NM_001376659.1); and 43 more; short protein forms R1251*, R1370*, R1392*, R1399*, R1429*, R1435*, R1439*, R1460*.
Identifiers: ClinVar variation 2048411 (VCV002048411.2), dbSNP rs971864929, ClinGen allele CA221673942.